The following is an entry in ClinVar:

ClinVar aggregate classification (germline): Likely pathogenic (1 of 4 stars; one submission).

Conditions:
Familial cancer of breast. Also called: BREAST CANCER, FAMILIAL; hereditary breast carcinoma; Hereditary breast cancer. Identifiers: Orphanet 227535, MedGen C0346153, MONDO:0016419, OMIM 114480. Disease mechanism: loss of function.

Submission:

Myriad Genetics, Inc.
Classification: Likely pathogenic for Familial cancer of breast. Last evaluated: 2023-06-27. Review status: criteria provided, single submitter. Criteria: Myriad Autosomal Dominant, Autosomal Recessive and X-Linked Classification Criteria (2023). Collection method: clinical testing. Allele origin: unknown.
Comment: This variant is considered likely pathogenic. This variant occurs within a consensus splice junction and is predicted to result in abnormal mRNA splicing of either an out-of-frame exon or an in-frame exon necessary for protein stability and/or normal function.

NM_007194.4(CHEK2):c.1009-1G>T

Gene: CHEK2 (checkpoint kinase 2; minus strand). Cytogenetic location: 22q12.1.
Variant type: single nucleotide variant.
Coding change: c.1009-1G>T on transcript NM_007194.4 (MANE Select); the canonical splice acceptor site of the intron before coding-DNA position 1009, G replaced by T.
Molecular consequence: splice acceptor variant. On other transcripts: intron variant (3).
Genome position (GRCh38, 1-based): chr22:28,696,988, C>A on the plus strand (G>T on the coding strand, the complement: CHEK2 is on the minus strand). VCF-style: chr22-28696988-C-A. GRCh37 (hg19) VCF-style: chr22-29092976-C-A.
Other names: c.346-1G>T (NM_001437942.1, NM_001257387.3); c.808-1G>T (NM_001349956.3); c.1009-1115G>T (NM_145862.3); c.1102-1115G>T (NM_001438295.1); c.1102-1G>T (NM_001438293.1); c.1138-1115G>T (NM_001438294.1); c.1138-1G>T (NM_001005735.3).
Identifiers: ClinVar variation 2584103 (VCV002584103.2), dbSNP rs1555914382, ClinGen allele CA411097869.